The following is an entry in ClinVar:

ClinVar aggregate classification (germline): Uncertain significance (1 of 4 stars; one submission).

Conditions:
Cardiomyopathy (CMYO). Also called: Cardiomyopathies. Identifiers: Orphanet 167848, MedGen C0878544, MONDO:0004994, HP:0001638. Inheritance: Various modes of inheritance.

Submission:

Color Diagnostics, LLC DBA Color Health
Classification: Uncertain significance for Cardiomyopathy. Last evaluated: 2024-03-06. Review status: criteria provided, single submitter. Criteria: ACMG Guidelines, 2015. Collection method: clinical testing. Allele origin: germline.
Comment: This missense variant replaces alanine with proline at codon 80 of the MYBPC3 protein. Computational prediction suggests that this variant may not impact protein structure and function (internally defined REVEL score threshold <= 0.5, PMID: 27666373). To our knowledge, functional studies have not been reported for this variant. This variant has not been reported in individuals affected with cardiovascular disorders in the literature. This variant has not been identified in the general population by the Genome Aggregation Database (gnomAD). The available evidence is insufficient to determine the role of this variant in disease conclusively. Therefore, this variant is classified as a Variant of Uncertain Significance.

NM_000256.3(MYBPC3):c.238G>C (p.Ala80Pro)

Gene: MYBPC3 (myosin binding protein C3; minus strand). Cytogenetic location: 11p11.2.
Variant type: single nucleotide variant.
Coding change: c.238G>C on transcript NM_000256.3 (MANE Select); coding-DNA position 238, G replaced by C.
Protein change: p.Ala80Pro; replaces alanine 80 with proline.
Molecular consequence: missense variant.
Genome position (GRCh38, 1-based): chr11:47,351,293, C>G on the plus strand (G>C on the coding strand, the complement: MYBPC3 is on the minus strand). VCF-style: chr11-47351293-C-G. GRCh37 (hg19) VCF-style: chr11-47372844-C-G.
Other names: short protein forms A80P.
Identifiers: ClinVar variation 1332543 (VCV001332543.3), dbSNP rs730880700, ClinGen allele CA380341646.
Genomic context (GRCh38, chr11:47,351,293, plus strand): 5'-TCTTACCTGCCTCTATGACCTTGAGGTCGAACTTGACCTTGGAGGAGCCAGCAATGACTG[C>G]GTAAGATCCCTGGTCGGCAGGGCCCACTTCCCGCACTGTCAGCGTATGCCGTGTGCCCTC-3'
Protein context (NP_000247.2, residues 70-90): EVGPADQGSY[Ala80Pro]VIAGSSKVKF